The following is an entry in ClinVar:

ClinVar aggregate classification (germline): Conflicting classifications of pathogenicity. Review status: criteria provided, conflicting classifications (1 of 4 stars). 3 submissions from 3 submitters: Uncertain significance (2); Benign (1). Last evaluated 2024-12-30.

Conditions:
COL4A2-related disorder. Also called: COL4A2-related disorders; COL4A2-related condition.

Allele frequency attached by ClinVar (database versions not stated): gnomAD 0.00001; gnomAD exomes 0.00003 and 0.00009; TOPMed 0.00005; ESP Exome Variant Server 0.00008; ExAC 0.00009.
gnomAD v4.1: 43 of 1,614,134 alleles (0.0027%); highest among the groups gnomAD compares: East Asian, 0.022%; no homozygotes.

Submissions (3):

Labcorp Genetics (formerly Invitae), Labcorp
Classification: Benign. Last evaluated: 2024-12-30. Review status: criteria provided, single submitter. Criteria: Invitae Variant Classification Sherloc (09022015). Collection method: clinical testing. Allele origin: germline.

PreventionGenetics, part of Exact Sciences
Classification: Uncertain significance for COL4A2-related condition. Last evaluated: 2024-10-10. Review status: criteria provided, single submitter. Criteria: ACMG Guidelines, 2015. Collection method: clinical testing. Allele origin: germline.
Comment: The COL4A2 c.4732G>A variant is predicted to result in the amino acid substitution p.Val1578Met. To our knowledge, this variant has not been reported in the literature. This variant is reported in 0.078% of alleles in individuals of East Asian descent in gnomAD. Although we suspect that this variant may be benign, at this time, the clinical significance of this variant is uncertain due to the absence of conclusive functional and genetic evidence.

CeGaT Center for Human Genetics Tuebingen
Classification: Uncertain significance. Last evaluated: 2019-04-01. Review status: criteria provided, single submitter. Criteria: CeGaT Center For Human Genetics Tuebingen Variant Classification Criteria Version 2. Collection method: clinical testing. Allele origin: germline. Affected: yes. Observed: 1 variant allele.

NM_001846.4(COL4A2):c.4732G>A (p.Val1578Met)

Genes: COL4A2 (collagen type IV alpha 2 chain; plus strand), COL4A2-AS1 (COL4A2 antisense RNA 1; minus strand). Cytogenetic location: 13q34.
Variant type: single nucleotide variant.
Coding change: c.4732G>A on transcript NM_001846.4 (MANE Select); coding-DNA position 4732, G replaced by A.
Protein change: p.Val1578Met; replaces valine 1578 with methionine.
Molecular consequence: missense variant.
Genome position (GRCh38, 1-based): chr13:110,508,072, G>A. VCF-style: chr13-110508072-G-A. GRCh37 (hg19) VCF-style: chr13-111160419-G-A.
Other names: c.4732G>A (NM_001846.3); short protein forms V1578M.
Identifiers: ClinVar variation 807051 (VCV000807051.45), dbSNP rs376052562, ClinGen allele CA7050637.